The following is an entry in ClinVar:

ClinVar aggregate classification (germline): Uncertain significance. Review status: criteria provided, single submitter (1 of 4 stars). 2 submissions from 2 submitters: Uncertain significance (1). 1 of the submissions does not count toward it. Last evaluated 2020-05-27.

Conditions:
Congenital myasthenic syndrome 21. Also called: Myasthenic syndrome, congenital, 21, presynaptic. Identifiers: MedGen C4310654, MONDO:0014983, OMIM 617239.

Allele frequency attached by ClinVar (database versions not stated): gnomAD exomes below 0.00001.
gnomAD v4.1: 1 of 1,608,502 alleles (0.000062%); highest among the groups gnomAD compares: South Asian, 0.0011%; no homozygotes.

Submissions (2):

Broad Center for Mendelian Genomics, Broad Institute of MIT and Harvard
Classification: Uncertain significance for Congenital myasthenic syndrome 21. Last evaluated: 2020-05-27. Review status: criteria provided, single submitter. Criteria: ACMG Guidelines, 2015. Collection method: research. Allele origin: germline. Inheritance: Autosomal recessive inheritance.
Comment: It is of note that the deletion spans across at least 5 genes including SLC18A3. The p.Gly186Ala variant has been reported pathogenic by OMIM in ClinVar (Variation ID: 372159) and was absent from large population studies. Computational prediction tools and conservation analyses suggest that this variant may impact the protein, though this information is not predictive enough to determine impact. Furthermore, although this gene has been reported in association with congenital myasthenic syndrome, it currently has moderate evidence for these associations. In summary, the clinical significance of the p.Gly186Ala variant is uncertain.

OMIM
Classification: Pathogenic for MYASTHENIC SYNDROME, CONGENITAL, 21, PRESYNAPTIC. Last evaluated: 2016-12-06. Review status: no assertion criteria provided. Collection method: literature only. Allele origin: germline. Not counted in ClinVar's aggregate classification.

Literature cited by the submitters: PubMed 27590285 (cited by Broad Center for Mendelian Genomics, Broad Institute of MIT and Harvard and OMIM).

NM_003055.3(SLC18A3):c.557G>C (p.Gly186Ala)

Genes: CHAT (choline O-acetyltransferase; plus strand), SLC18A3 (solute carrier family 18 member A3; plus strand). Cytogenetic location: 10q11.23.
Variant type: single nucleotide variant.
Coding change: c.557G>C on transcript NM_003055.3 (MANE Select); coding-DNA position 557, G replaced by C.
Protein change: p.Gly186Ala; replaces glycine 186 with alanine.
Molecular consequence: missense variant. On other transcripts: intron variant (1).
Genome position (GRCh38, 1-based): chr10:49,611,297, G>C. VCF-style: chr10-49611297-G-C. GRCh37 (hg19) VCF-style: chr10-50819343-G-C.
Other names: c.-69+2098G>C (NM_020984.4); short protein forms G186A.
Identifiers: ClinVar variation 372159 (VCV000372159.4), dbSNP rs1057517665, ClinGen allele CA16042221.